The following is an entry in ClinVar:

NM_025193.4(HSD3B7):c.728G>A (p.Arg243Gln)

Gene: HSD3B7 (hydroxy-delta-5-steroid dehydrogenase, 3 beta- and steroid delta-isomerase 7; plus strand). Cytogenetic location: 16p11.2.
Variant type: single nucleotide variant.
Coding change: c.728G>A on transcript NM_025193.4 (MANE Select); coding-DNA position 728, G replaced by A.
Protein change: p.Arg243Gln; replaces arginine 243 with glutamine.
Molecular consequence: missense variant.
Genome position (GRCh38, 1-based): chr16:30,987,801, G>A. VCF-style: chr16-30987801-G-A. GRCh37 (hg19) VCF-style: chr16-30999122-G-A.
Other names: c.565G>A, p.Gly189Arg (NM_001142777.2, NM_001142778.2); c.728G>A (NM_025193.3); short protein forms R243Q, G189R.
Identifiers: ClinVar variation 498398 (VCV000498398.6), dbSNP rs769032830, ClinGen allele CA8018102.

ClinVar aggregate classification (germline): Uncertain significance. Review status: criteria provided, single submitter (1 of 4 stars). 2 submissions from 2 submitters: Uncertain significance (1). 1 of the submissions does not count toward it. Last evaluated 2017-12-05.

Conditions:
HSD3B7-related disorder. Also called: HSD3B7-related condition.

Allele frequency attached by ClinVar (database versions not stated): TOPMed 0.00005; gnomAD 0.00003; ExAC 0.00004.

Submissions (2):

Eurofins Ntd Llc (ga)
Classification: Uncertain significance. Last evaluated: 2017-12-05. Review status: criteria provided, single submitter. Criteria: EGL Classification Definitions 2015. Collection method: clinical testing. Allele origin: germline. Observed: 3 variant alleles, 3 heterozygotes.

PreventionGenetics, part of Exact Sciences
Classification: Uncertain significance for HSD3B7-related condition. Last evaluated: 2024-04-22. Review status: no assertion criteria provided. Collection method: clinical testing. Allele origin: germline. Not counted in ClinVar's aggregate classification.
Comment: The HSD3B7 c.728G>A variant is predicted to result in the amino acid substitution p.Arg243Gln. To our knowledge, this variant has not been reported in the literature. This variant is reported in 0.025% of alleles in individuals of Latino descent in gnomAD. At this time, the clinical significance of this variant is uncertain due to the absence of conclusive functional and genetic evidence.